The following is an entry in ClinVar:

ClinVar aggregate classification (germline): Conflicting classifications of pathogenicity. Review status: criteria provided, conflicting classifications (1 of 4 stars). 6 submissions from 6 submitters: Uncertain significance (3); Benign (1); Likely benign (2). Last evaluated 2025-12-23.

Conditions:
Hereditary cancer-predisposing syndrome. Also called: Tumor predisposition; Hereditary Cancer Syndrome; Hereditary neoplastic syndrome; Neoplastic Syndromes, Hereditary. Identifiers: Orphanet 140162, MedGen C0027672, MeSH D009386, MONDO:0015356.
Tuberous sclerosis syndrome (TSC). Also called: Tuberous Sclerosis Complex; Tuberous sclerosis. Identifiers: Orphanet 805, MedGen C0041341, MONDO:0001734.
Tuberous sclerosis 2 (TSC2). Identifiers: Orphanet 805, MedGen C1860707, MONDO:0013199, OMIM 613254.

Allele frequency attached by ClinVar (database versions not stated): gnomAD exomes below 0.00001; TOPMed 0.00004.

Submissions (6):

Labcorp Genetics (formerly Invitae), Labcorp
Classification: Benign for Tuberous sclerosis 2. Last evaluated: 2025-12-23. Review status: criteria provided, single submitter. Criteria: Invitae Variant Classification Sherloc (09022015). Collection method: clinical testing. Allele origin: germline.

All of Us Research Program, National Institutes of Health
Classification: Uncertain significance for Tuberous sclerosis syndrome. Last evaluated: 2024-08-13. Review status: criteria provided, single submitter. Criteria: ACMG Guidelines, 2015. Collection method: clinical testing. Allele origin: germline. Inheritance: Autosomal dominant inheritance. Observed: 3 variant alleles, 3 heterozygotes.
Comment: This missense variant replaces phenylalanine with tyrosine at codon 1657 of the TSC2 protein. Computational prediction is inconclusive regarding the impact of this variant on protein structure and function (internally defined REVEL score threshold 0.5 < inconclusive < 0.7, PMID: 27666373). To our knowledge, functional studies have not been reported for this variant. This variant has not been reported in individuals affected with TSC2-related disorders in the literature. This variant has been identified in 1/222436 chromosomes in the general population by the Genome Aggregation Database (gnomAD). The available evidence is insufficient to determine the role of this variant in disease conclusively. Therefore, this variant is classified as a Variant of Uncertain Significance.

This study involves interpretation of variants in research participants for the purpose of population health screening. Participant phenotype was not available at the time of variant classification. Additional details can be found in publication PMID: 35346344, PMCID: PMC8962531

Color Diagnostics, LLC DBA Color Health
Classification: Uncertain significance for Tuberous sclerosis syndrome. Last evaluated: 2024-07-31. Review status: criteria provided, single submitter. Criteria: ACMG Guidelines, 2015. Collection method: clinical testing. Allele origin: germline.
Comment: This missense variant replaces phenylalanine with tyrosine at codon 1657 of the TSC2 protein. Computational prediction is inconclusive regarding the impact of this variant on protein structure and function. To our knowledge, functional studies have not been reported for this variant. This variant has not been reported in individuals affected with TSC2-related disorders in the literature. This variant has been identified in 1/222436 chromosomes in the general population by the Genome Aggregation Database (gnomAD). The available evidence is insufficient to determine the role of this variant in disease conclusively. Therefore, this variant is classified as a Variant of Uncertain Significance.

Ambry Genetics
Classification: Likely benign for Hereditary cancer-predisposing syndrome. Last evaluated: 2022-08-17. Review status: criteria provided, single submitter. Criteria: Ambry Variant Classification Scheme 2023. Collection method: clinical testing. Allele origin: germline.

Genome-Nilou Lab
Classification: Likely benign for Tuberous sclerosis 2. Last evaluated: 2021-11-07. Review status: criteria provided, single submitter. Criteria: ACMG Guidelines, 2015. Collection method: clinical testing. Allele origin: germline. Affected: no.

St. Jude Molecular Pathology, St. Jude Children's Research Hospital
Classification: Uncertain significance for Tuberous sclerosis syndrome. Last evaluated: 2021-05-10. Review status: criteria provided, single submitter. Criteria: St. Jude Assertion Criteria 2020. Collection method: clinical testing. Allele origin: germline.

NM_000548.5(TSC2):c.4970T>A (p.Phe1657Tyr)

Gene: TSC2 (TSC complex subunit 2; plus strand). Cytogenetic location: 16p13.3.
Variant type: single nucleotide variant.
Coding change: c.4970T>A on transcript NM_000548.5 (MANE Select); coding-DNA position 4970, T replaced by A.
Protein change: p.Phe1657Tyr; replaces phenylalanine 1657 with tyrosine.
Molecular consequence: missense variant.
Genome position (GRCh38, 1-based): chr16:2,086,852, T>A. VCF-style: chr16-2086852-T-A. GRCh37 (hg19) VCF-style: chr16-2136853-T-A.
Other names: c.4769T>A, p.Phe1590Tyr (NM_001077183.3); c.4901T>A, p.Phe1634Tyr (NM_001114382.3); c.4661T>A, p.Phe1554Tyr (NM_001318827.2); c.4625T>A, p.Phe1542Tyr (NM_001318829.2); c.4238T>A, p.Phe1413Tyr (NM_001318831.2); c.4802T>A, p.Phe1601Tyr (NM_001318832.2); c.4772T>A, p.Phe1591Tyr (NM_001363528.2); c.4838T>A, p.Phe1613Tyr (NM_001370404.1); and 1 more; short protein forms F1657Y, F1614Y, F1542Y, F1554Y, F1590Y, F1613Y, F1413Y, F1591Y.
Identifiers: ClinVar variation 238071 (VCV000238071.22), dbSNP rs878854112, ClinGen allele CA10583340.